The following is an entry in ClinVar:

ClinVar aggregate classification (germline): Uncertain significance (1 of 4 stars; one submission).

Submission:

Women's Health and Genetics/Laboratory Corporation of America, LabCorp
Classification: Uncertain significance. Last evaluated: 2025-04-02. Review status: criteria provided, single submitter. Criteria: LabCorp Variant Classification Summary - May 2015. Collection method: clinical testing. Allele origin: germline.
Comment: Variant summary: ACAT1 c.1142T>C (p.Val381Ala) results in a non-conservative amino acid change in the encoded protein sequence. Five of five in-silico tools predict a damaging effect of the variant on protein function. The variant allele was found at a frequency of 1.2e-05 in 251348 control chromosomes. The available data on variant occurrences in the general population are insufficient to allow any conclusion about variant significance. c.1142T>C has been reported in the literature in an individual affected with Beta-ketothiolase deficiency (Wu_2024). These report(s) do not provide unequivocal conclusions about association of the variant with Alpha-Methylacetoacetic Aciduria. To our knowledge, no experimental evidence demonstrating an impact on protein function has been reported. The following publication have been ascertained in the context of this evaluation (PMID: 38448016). No submitters have cited clinical-significance assessments for this variant to ClinVar. Based on the evidence outlined above, the variant was classified as uncertain significance.

Literature cited by the submitters: PubMed 38448016.

NM_000019.4(ACAT1):c.1142T>C (p.Val381Ala)

Gene: ACAT1 (acetyl-CoA acetyltransferase 1; plus strand). Cytogenetic location: 11q22.3.
Variant type: single nucleotide variant.
Coding change: c.1142T>C on transcript NM_000019.4 (MANE Select); coding-DNA position 1142, T replaced by C.
Protein change: p.Val381Ala; replaces valine 381 with alanine.
Molecular consequence: missense variant. On other transcripts: non-coding transcript variant (2).
Genome position (GRCh38, 1-based): chr11:108,146,338, T>C. VCF-style: chr11-108146338-T-C. GRCh37 (hg19) VCF-style: chr11-108017065-T-C.
Other names: c.1142T>C, p.Val381Ala (NM_001386677.1); c.827T>C, p.Val276Ala (NM_001386678.1); c.845T>C, p.Val282Ala (NM_001386679.1); c.872T>C, p.Val291Ala (NM_001386681.1, NM_001386682.1, NM_001386685.1 and 6 more transcripts); short protein forms V276A, V282A, V291A, V381A.
Identifiers: ClinVar variation 3896536 (VCV003896536.2).